The following is an entry in ClinVar:

ClinVar aggregate classification (germline): Likely benign. Review status: criteria provided, multiple submitters, no conflicts (2 of 4 stars). 3 submissions from 3 submitters: Likely benign (2). 1 of the submissions does not count toward it. Last evaluated 2024-05-22.

Conditions:
SLC38A8-related disorder. Also called: SLC38A8-related condition.

Allele frequency attached by ClinVar (database versions not stated): ESP Exome Variant Server 0.00023; 1000 Genomes Project 0.00040; 1000 Genomes Project 30x 0.00047.
gnomAD v4.1: 318 of 1,613,974 alleles (0.02%); highest among the groups gnomAD compares: South Asian, 0.28%; 5 homozygotes.

Submissions (3):

Labcorp Genetics (formerly Invitae), Labcorp
Classification: Likely benign. Last evaluated: 2024-05-22. Review status: criteria provided, single submitter. Criteria: Invitae Variant Classification Sherloc (09022015). Collection method: clinical testing. Allele origin: germline.

Blueprint Genetics
Classification: Likely benign. Last evaluated: 2022-04-04. Review status: criteria provided, single submitter. Criteria: ACMG Guidelines, 2015. Collection method: clinical testing. Allele origin: germline.

PreventionGenetics, part of Exact Sciences
Classification: Likely benign for SLC38A8-related condition. Last evaluated: 2024-07-23. Review status: no assertion criteria provided. Collection method: clinical testing. Allele origin: germline. Not counted in ClinVar's aggregate classification.
Comment: This variant is classified as likely benign based on ACMG/AMP sequence variant interpretation guidelines (Richards et al. 2015 PMID: 25741868, with internal and published modifications).

NM_001080442.3(SLC38A8):c.808G>A (p.Val270Ile)

Gene: SLC38A8 (solute carrier family 38 member 8; minus strand). Cytogenetic location: 16q23.3.
Variant type: single nucleotide variant.
Coding change: c.808G>A on transcript NM_001080442.3 (MANE Select); coding-DNA position 808, G replaced by A.
Protein change: p.Val270Ile; replaces valine 270 with isoleucine.
Molecular consequence: missense variant.
Genome position (GRCh38, 1-based): chr16:84,017,285, C>T on the plus strand (G>A on the coding strand, the complement: SLC38A8 is on the minus strand). VCF-style: chr16-84017285-C-T. GRCh37 (hg19) VCF-style: chr16-84050890-C-T.
Other names: c.808G>A (NM_001080442.2); short protein forms V270I.
Identifiers: ClinVar variation 2716582 (VCV002716582.5), dbSNP rs146485245, ClinGen allele CA8199961.